The following is an entry in ClinVar:

ClinVar aggregate classification (germline): Uncertain significance (1 of 4 stars; one submission).

Conditions:
Autosomal recessive limb-girdle muscular dystrophy type 2J (LGMDR10). Also called: Limb-girdle muscular dystrophy, type 2J; MUSCULAR DYSTROPHY, LIMB-GIRDLE, AUTOSOMAL RECESSIVE 10. Identifiers: Orphanet 140922, MedGen C1837342, MONDO:0012127, OMIM 608807.
Dilated cardiomyopathy 1G (CMD1G). Identifiers: Orphanet 154, MedGen C1858763, MONDO:0011400, OMIM 604145.

Submission:

Labcorp Genetics (formerly Invitae), Labcorp
Classification: Uncertain significance for Dilated cardiomyopathy 1G; Autosomal recessive limb-girdle muscular dystrophy type 2J. Last evaluated: 2022-02-03. Review status: criteria provided, single submitter. Criteria: Invitae Variant Classification Sherloc (09022015). Collection method: clinical testing. Allele origin: germline.
Comment: This variant, c.106605_106607del, results in the deletion of 1 amino acid(s) of the TTN protein (p.Val35536del), but otherwise preserves the integrity of the reading frame. This variant is present in population databases (no rsID available, gnomAD 0.003%). This variant has not been reported in the literature in individuals affected with TTN-related conditions. Experimental studies and prediction algorithms are not available or were not evaluated, and the functional significance of this variant is currently unknown. This variant is located in the M band of TTN (PMID: 25589632). Variants in this region may be relevant for neuromuscular disorders, but have not been definitively shown to cause cardiomyopathy (PMID: 23975875). In summary, the available evidence is currently insufficient to determine the role of this variant in disease. Therefore, it has been classified as a Variant of Uncertain Significance.

Literature cited by the submitters: PubMed 25589632; PubMed 23975875.

NM_001267550.2(TTN):c.106602TGT[1] (p.Val35536del)

Genes: TTN-AS1 (TTN antisense RNA 1; plus strand), TTN (titin; minus strand). Cytogenetic location: 2q31.2.
Variant type: Microsatellite.
Coding change: c.106602TGT[1] on transcript NM_001267550.2 (MANE Select); one copy of the 3-base unit TGT starting at c.106602; the reference has two copies in a row; one copy, 3 bases deleted.
Protein change: p.Val35536del; deletes valine 35536.
Molecular consequence: inframe deletion.
Genome position (GRCh38, 1-based): chr2:178,529,144-178,529,146, ACA deleted on the plus strand (TGT on the coding strand, the reverse complement: TTN is on the minus strand); deleting any 3 consecutive bases within chr2:178,529,144-178,529,149 gives the same sequence; the position shown is the placement nearest the transcript's 3' end. VCF-style (leftmost placement, unchanged base first): chr2-178529143-GACA-G. GRCh37 (hg19) VCF-style: chr2-179393870-GACA-G.
Other names: c.101679TGT[1], p.Val33895del (NM_001256850.1); c.79407TGT[1], p.Val26471del (NM_003319.4); c.98898TGT[1], p.Val32968del (NM_133378.4); c.79782TGT[1], p.Val26596del (NM_133432.3); c.79983TGT[1], p.Val26663del (NM_133437.4); short protein forms V26663del, V26596del, V33895del, V35536del, V26471del, V32968del.
Identifiers: ClinVar variation 2092524 (VCV002092524.4), dbSNP rs1234098695, ClinGen allele CA538434950.